The following is an entry in ClinVar:

ClinVar aggregate classification (germline): Uncertain significance (1 of 4 stars; one submission).

Conditions:
Intellectual developmental disorder, autosomal dominant 1. Also called: Intellectual disability, autosomal dominant 1; MBD5 Haploinsufficiency. Identifiers: Orphanet 228402, MedGen C1969562, MONDO:0007974, OMIM 156200.

Allele frequency attached by ClinVar (database versions not stated): gnomAD exomes below 0.00001; ExAC 0.00001.
gnomAD v4.1: 3 of 1,613,880 alleles (0.00019%); highest among the groups gnomAD compares: Admixed American, 0.0017%; no homozygotes.

Submission:

Labcorp Genetics (formerly Invitae), Labcorp
Classification: Uncertain significance for Intellectual developmental disorder, autosomal dominant 1. Last evaluated: 2025-12-22. Review status: criteria provided, single submitter. Criteria: Invitae Variant Classification Sherloc (09022015). Collection method: clinical testing. Allele origin: germline.
Comment: This sequence change replaces serine, which is neutral and polar, with arginine, which is basic and polar, at codon 217 of the MBD5 protein (p.Ser217Arg). This variant is present in population databases (rs746401724, gnomAD 0.003%). This variant has not been reported in the literature in individuals affected with MBD5-related conditions. ClinVar contains an entry for this variant (Variation ID: 2161139). Invitae Evidence Modeling of protein sequence and biophysical properties (such as structural, functional, and spatial information, amino acid conservation, physicochemical variation, residue mobility, and thermodynamic stability) indicates that this missense variant is not expected to disrupt MBD5 protein function with a negative predictive value of 80%. In summary, the available evidence is currently insufficient to determine the role of this variant in disease. Therefore, it has been classified as a Variant of Uncertain Significance.

NM_001378120.1(MBD5):c.651C>G (p.Ser217Arg)

Gene: MBD5 (methyl-CpG binding domain protein 5; plus strand). Cytogenetic location: 2q23.1.
Variant type: single nucleotide variant.
Coding change: c.651C>G on transcript NM_001378120.1 (MANE Select); coding-DNA position 651, C replaced by G.
Protein change: p.Ser217Arg; replaces serine 217 with arginine.
Molecular consequence: missense variant.
Genome position (GRCh38, 1-based): chr2:148,468,594, C>G. VCF-style: chr2-148468594-C-G. GRCh37 (hg19) VCF-style: chr2-149226163-C-G.
Other names: c.651C>G, p.Ser217Arg (NM_018328.5); short protein forms S217R.
Identifiers: ClinVar variation 2161139 (VCV002161139.4), dbSNP rs746401724, ClinGen allele CA1899911.
Genomic context (GRCh38, chr2:148,468,594, plus strand): 5'-CTACCCCCGACAGAGATTGGGCAGCAGTGAACATGGACAGAAATCTCCATTCCGTGGCAG[C>G]CATGGAGGCCTGCCCAGCCCAGCGTCATCAGGTTCCCAGATATATGGAGATGGTTCAATC-3'
Protein context (NP_001365049.1, residues 207-227): EHGQKSPFRG[Ser217Arg]HGGLPSPASS